The following is an entry in ClinVar:

ClinVar aggregate classification (germline): Benign. Review status: criteria provided, multiple submitters, no conflicts (2 of 4 stars). 2 submissions from 2 submitters: Benign (2). Last evaluated 2018-01-13.

Conditions:
Congenital microvillous atrophy (DIAR2). Also called: DAVIDSON DISEASE; MICROVILLUS ATROPHY, CONGENITAL; Microvillus inclusion disease; Diarrhea 2 with microvillus atrophy, with or without cholestasis; CONGENITAL FAMILIAL PROTRACTED DIARRHEA WITH ENTEROCYTE BRUSH-BORDER ABNORMALITIES. Identifiers: Orphanet 2290, MedGen C0341306, MONDO:0009635, OMIM 251850.

Allele frequency attached by ClinVar (database versions not stated): gnomAD 0.06808 and 0.07432; gnomAD exomes 0.08172; TOPMed 0.08892; 1000 Genomes Project 30x 0.13616; 1000 Genomes Project 0.13818.
gnomAD v4.1: 21,541 of 278,786 alleles (7.7%); highest among the groups gnomAD compares: East Asian, 30%; 1,789 homozygotes.

Submissions (2):

Illumina Laboratory Services, Illumina
Classification: Benign for Congenital microvillous atrophy. Last evaluated: 2018-01-13. Review status: criteria provided, single submitter. Criteria: ICSL Variant Classification Criteria 13 December 2019. Collection method: clinical testing. Allele origin: germline.
Comment: This variant was observed in the ICSL laboratory as part of a predisposition screen in an ostensibly healthy population. It had not been previously curated by ICSL or reported in the Human Gene Mutation Database (HGMD: prior to June 1st, 2018), and was therefore a candidate for classification through an automated scoring system. Utilizing variant allele frequency, disease prevalence and penetrance estimates, and inheritance mode, an automated score was calculated to assess if this variant is too frequent to cause the disease. Based on the score and internal cut-off values, a variant classified as benign is not then subjected to further curation. The score for this variant resulted in a classification of benign for this disease.

Breakthrough Genomics
Classification: Benign. Review status: criteria provided, single submitter. Criteria: ACMG Guidelines, 2015. Collection method: not provided. Allele origin: germline. Inheritance: Autosomal recessive inheritance. Affected: yes.

NM_001080467.3(MYO5B):c.*371T>C

Genes: SNHG22 (small nucleolar RNA host gene 22; plus strand), MYO5B (myosin VB; minus strand). Cytogenetic location: 18q21.1.
Variant type: single nucleotide variant.
Coding change: c.*371T>C on transcript NM_001080467.3 (MANE Select); 371 bases downstream of the stop codon, T replaced by C.
Molecular consequence: 3 prime UTR variant.
Genome position (GRCh38, 1-based): chr18:49,826,100, A>G on the plus strand (T>C on the coding strand, the complement: MYO5B is on the minus strand). VCF-style: chr18-49826100-A-G. GRCh37 (hg19) VCF-style: chr18-47352470-A-G.
Identifiers: ClinVar variation 326987 (VCV000326987.6), dbSNP rs4127441, ClinGen allele CA10651713.